The following is an entry in ClinVar:

ClinVar aggregate classification (germline): Uncertain significance. Review status: criteria provided, multiple submitters, no conflicts (2 of 4 stars). 3 submissions from 3 submitters: Uncertain significance (3). Last evaluated 2025-08-13.

Conditions:
Inborn genetic diseases. Identifiers: MedGen C0950123, MeSH D030342.
Retinitis pigmentosa 12 (RP12). Also called: RP WITH OR WITHOUT PPRPE; RP WITH OR WITHOUT PRESERVED PARAARTERIOLE RETINAL PIGMENT EPITHELIUM; RETINITIS PIGMENTOSA WITH OR WITHOUT PARAARTERIOLAR PRESERVATION OF RETINAL PIGMENT EPITHELIUM. Identifiers: Orphanet 791, MedGen C1838647, MONDO:0010818, OMIM 600105.
Leber congenital amaurosis 8 (LCA8). Identifiers: Orphanet 65, MedGen C3151202, MONDO:0013453, OMIM 613835.

Allele frequency attached by ClinVar (database versions not stated): gnomAD exomes below 0.00001 and 0.00001; TOPMed below 0.00001; ExAC 0.00002.
gnomAD v4.1: 2 of 1,610,062 alleles (0.00012%); highest among the groups gnomAD compares: Non-Finnish European, 0.00017%; no homozygotes.

Submissions (3):

Ambry Genetics
Classification: Uncertain significance for Inborn genetic diseases. Last evaluated: 2025-08-13. Review status: criteria provided, single submitter. Criteria: Ambry Variant Classification Scheme 2023. Collection method: clinical testing. Allele origin: germline.

Blueprint Genetics
Classification: Uncertain significance. Last evaluated: 2023-12-27. Review status: criteria provided, single submitter. Criteria: ACMG Guidelines, 2015. Collection method: clinical testing. Allele origin: germline.

Labcorp Genetics (formerly Invitae), Labcorp
Classification: Uncertain significance for Leber congenital amaurosis 8; Retinitis pigmentosa 12. Last evaluated: 2021-09-17. Review status: criteria provided, single submitter. Criteria: Invitae Variant Classification Sherloc (09022015). Collection method: clinical testing. Allele origin: germline.
Comment: This sequence change replaces isoleucine with lysine at codon 22 of the CRB1 protein (p.Ile22Lys). The isoleucine residue is moderately conserved and there is a moderate physicochemical difference between isoleucine and lysine. This variant is present in population databases (rs762741389, ExAC 0.003%). This variant has not been reported in the literature in individuals with CRB1-related conditions. Advanced modeling of protein sequence and biophysical properties (such as structural, functional, and spatial information, amino acid conservation, physicochemical variation, residue mobility, and thermodynamic stability) performed at Invitae indicates that this missense variant is not expected to disrupt CRB1 protein function. In summary, the available evidence is currently insufficient to determine the role of this variant in disease. Therefore, it has been classified as a Variant of Uncertain Significance.

NM_201253.3(CRB1):c.65T>A (p.Ile22Lys)

Gene: CRB1 (crumbs cell polarity complex component 1; plus strand). Cytogenetic location: 1q31.3.
Variant type: single nucleotide variant.
Coding change: c.65T>A on transcript NM_201253.3 (MANE Select); coding-DNA position 65, T replaced by A.
Protein change: p.Ile22Lys; replaces isoleucine 22 with lysine.
Molecular consequence: missense variant. On other transcripts: non-coding transcript variant (2), intron variant (1).
Genome position (GRCh38, 1-based): chr1:197,268,477, T>A. VCF-style: chr1-197268477-T-A. GRCh37 (hg19) VCF-style: chr1-197237607-T-A.
Other names: c.65T>A, p.Ile22Lys (NM_001193640.2, NM_001257966.2); c.-212-33963T>A (NM_001257965.2); c.65T>A (NM_201253.2); short protein forms I22K.
Identifiers: ClinVar variation 1406012 (VCV001406012.7), dbSNP rs762741389, ClinGen allele CA1311555.